The following is an entry in ClinVar:

NM_014712.3(SETD1A):c.4094_4120dup (p.Glu1373_Glu1374insGlyGluGluGluGlyGluGluGluGlu)

Gene: SETD1A (SET domain containing 1A, histone lysine methyltransferase; plus strand). Cytogenetic location: 16p11.2.
Variant type: Duplication.
Coding change: c.4094_4120dup on transcript NM_014712.3 (MANE Select); coding-DNA positions 4094 to 4120, 27 bases duplicated (GGGAGGAAGAGGGGGAGGAAGAGGAGG).
Protein change: p.Glu1373_Glu1374insGlyGluGluGluGlyGluGluGluGlu.
Molecular consequence: inframe insertion.
Genome position (GRCh38, 1-based): chr16:30,979,880-30,979,906, GGGAGGAAGAGGGGGAGGAAGAGGAGG duplicated; duplicating any 27 consecutive bases within chr16:30,979,870-30,979,906 gives the same sequence; the c. name uses the placement nearest the transcript's 3' end. VCF-style (leftmost placement, unchanged base first): chr16-30979869-C-CGAAGAGGAGGGGGAGGAAGAGGGGGAG. GRCh37 (hg19) VCF-style: chr16-30991190-C-CGAAGAGGAGGGGGAGGAAGAGGGGGAG.
Identifiers: ClinVar variation 4992020 (VCV004992020.1).

ClinVar aggregate classification (germline): Uncertain significance (1 of 4 stars; one submission).

Conditions:
SETD1A-related disorder. Also called: SETD1A-related condition.

Submission:

PreventionGenetics, part of Exact Sciences
Classification: Uncertain significance for SETD1A-related condition. Last evaluated: 2025-10-17. Review status: criteria provided, single submitter. Criteria: ACMG Guidelines, 2015. Collection method: clinical testing. Allele origin: germline.
Comment: The SETD1A c.4094_4120dup27 variant is predicted to result in an in-frame duplication (p.Gly1365_Glu1373dup). To our knowledge, this variant has not been reported in the literature or in a large population database (gnomAD), indicating this variant is rare. At this time, the clinical significance of this variant is uncertain due to the absence of conclusive functional and genetic evidence.